The following is an entry in ClinVar:

NM_012431.3(SEMA3E):c.1010G>A (p.Arg337Gln)

Gene: SEMA3E (semaphorin 3E; minus strand). Cytogenetic location: 7q21.11.
Variant type: single nucleotide variant.
Coding change: c.1010G>A on transcript NM_012431.3 (MANE Select); coding-DNA position 1010, G replaced by A.
Protein change: p.Arg337Gln; replaces arginine 337 with glutamine.
Molecular consequence: missense variant.
Genome position (GRCh38, 1-based): chr7:83,402,765, C>T on the plus strand (G>A on the coding strand, the complement: SEMA3E is on the minus strand). VCF-style: chr7-83402765-C-T. GRCh37 (hg19) VCF-style: chr7-83032081-C-T.
Other names: c.830G>A, p.Arg277Gln (NM_001178129.2); short protein forms R277Q, R337Q.
Identifiers: ClinVar variation 2429235 (VCV002429235.7), dbSNP rs775929093, ClinGen allele CA4322124.
Genomic context (GRCh38, chr7:83,402,765, plus strand): 5'-TATGGTCCGTTGAAGGCTGCCCGAATGCTAGACATGTGATAGACACATATAGCATGCCCT[C>T]GAAAAATATTACTGAAAAATACAAAAAAGATAATTATTCTTCTGGAACTAACTGCAGGTC-3'
Protein context (NP_036563.1, residues 327-347): GLFNTTSNIF[Arg337Gln]GHAICVYHMS

ClinVar aggregate classification (germline): Uncertain significance. Review status: criteria provided, multiple submitters, no conflicts (2 of 4 stars). 3 submissions from 3 submitters: Uncertain significance (3). Last evaluated 2023-12-20.

Conditions:
CHARGE syndrome (CHARGE). Also called: Hittner Hirsch Kreh syndrome; CHARGE ASSOCIATION--COLOBOMA, HEART ANOMALY, CHOANAL ATRESIA, RETARDATION, GENITAL AND EAR ANOMALIES; Coloboma, heart anomaly, choanal atresia, retardation, genital and ear anomalies; CHARGE association; Hall-Hittner syndrome. Identifiers: Orphanet 138, MedGen C0265354, MONDO:0008965.

Allele frequency attached by ClinVar (database versions not stated): gnomAD 0.00001; TOPMed 0.00001; ExAC 0.00002.
gnomAD v4.1: 15 of 1,611,978 alleles (0.00093%); highest among the groups gnomAD compares: South Asian, 0.0033%; no homozygotes.

Submissions (3):

Labcorp Genetics (formerly Invitae), Labcorp
Classification: Uncertain significance for CHARGE syndrome. Last evaluated: 2023-12-20. Review status: criteria provided, single submitter. Criteria: Invitae Variant Classification Sherloc (09022015). Collection method: clinical testing. Allele origin: germline.
Comment: This sequence change replaces arginine, which is basic and polar, with glutamine, which is neutral and polar, at codon 337 of the SEMA3E protein (p.Arg337Gln). This variant is present in population databases (rs775929093, gnomAD 0.002%). This variant has not been reported in the literature in individuals affected with SEMA3E-related conditions. ClinVar contains an entry for this variant (Variation ID: 2429235). Advanced modeling of protein sequence and biophysical properties (such as structural, functional, and spatial information, amino acid conservation, physicochemical variation, residue mobility, and thermodynamic stability) performed at Invitae indicates that this missense variant is not expected to disrupt SEMA3E protein function with a negative predictive value of 80%. In summary, the available evidence is currently insufficient to determine the role of this variant in disease. Therefore, it has been classified as a Variant of Uncertain Significance.

Ambry Genetics
Classification: Uncertain significance. Last evaluated: 2023-12-12. Review status: criteria provided, single submitter. Criteria: Ambry Variant Classification Scheme 2023. Collection method: clinical testing. Allele origin: germline.

Women's Health and Genetics/Laboratory Corporation of America, LabCorp
Classification: Uncertain significance. Last evaluated: 2023-01-05. Review status: criteria provided, single submitter. Criteria: LabCorp Variant Classification Summary - May 2015. Collection method: clinical testing. Allele origin: germline.
Comment: Variant summary: SEMA3E c.1010G>A (p.Arg337Gln) results in a conservative amino acid change located in the Sema domain (IPR001627) of the encoded protein sequence. Four of five in-silico tools predict a benign effect of the variant on protein function. The variant allele was found at a frequency of 8e-06 in 250166 control chromosomes (gnomAD). The available data on variant occurrences in the general population are insufficient to allow any conclusion about variant significance. To our knowledge, no occurrence of c.1010G>A in individuals affected with Hypogonadotropic Hypogonadism 7 With Or Without Anosmia and no experimental evidence demonstrating its impact on protein function have been reported. No clinical diagnostic laboratories have submitted clinical-significance assessments for this variant to ClinVar after 2014. Based on the evidence outlined above, the variant was classified as uncertain significance.